The following is an entry in ClinVar:

NM_000388.4(CASR):c.2296C>T (p.His766Tyr)

Gene: CASR (calcium sensing receptor; plus strand). Cytogenetic location: 3q21.1.
Variant type: single nucleotide variant.
Coding change: c.2296C>T on transcript NM_000388.4 (MANE Select); coding-DNA position 2296, C replaced by T.
Protein change: p.His766Tyr; replaces histidine 766 with tyrosine.
Molecular consequence: missense variant.
Genome position (GRCh38, 1-based): chr3:122,284,250, C>T. VCF-style: chr3-122284250-C-T. GRCh37 (hg19) VCF-style: chr3-122003097-C-T.
Other names: c.2326C>T, p.His776Tyr (NM_001178065.2); short protein forms H766Y, H776Y.
Identifiers: ClinVar variation 936439 (VCV000936439.7), dbSNP rs776652154, ClinGen allele CA2569809.

ClinVar aggregate classification (germline): Uncertain significance (1 of 4 stars; one submission).

Conditions:
Familial hypocalciuric hypercalcemia (FHH). Also called: Familial benign hypercalcemia. Identifiers: Orphanet 405, MedGen C1809471, MONDO:0018458.
Autosomal dominant hypocalcemia 1 (HYPOC1). Also called: HYPOCALCEMIA, FAMILIAL. Identifiers: MedGen C3715128, MONDO:0011013, OMIM 601198.

Allele frequency attached by ClinVar (database versions not stated): gnomAD exomes below 0.00001; ExAC 0.00001.
gnomAD v4.1: 1 of 1,614,148 alleles (0.000062%); highest among the groups gnomAD compares: Admixed American, 0.0017%; no homozygotes.

Submission:

Labcorp Genetics (formerly Invitae), Labcorp
Classification: Uncertain significance for Familial hypocalciuric hypercalcemia; Autosomal dominant hypocalcemia 1. Last evaluated: 2021-09-01. Review status: criteria provided, single submitter. Criteria: Invitae Variant Classification Sherloc (09022015). Collection method: clinical testing. Allele origin: germline.
Comment: This sequence change replaces histidine with tyrosine at codon 766 of the CASR protein (p.His766Tyr). The histidine residue is highly conserved and there is a moderate physicochemical difference between histidine and tyrosine. This variant is present in population databases (rs776652154, ExAC 0.009%). This variant has not been reported in the literature in individuals affected with CASR-related conditions. Algorithms developed to predict the effect of missense changes on protein structure and function are either unavailable or do not agree on the potential impact of this missense change (SIFT: "Deleterious"; PolyPhen-2: "Possibly Damaging"; Align-GVGD: "Class C15"). In summary, the available evidence is currently insufficient to determine the role of this variant in disease. Therefore, it has been classified as a Variant of Uncertain Significance.